The following is an entry in ClinVar:

NM_003502.4(AXIN1):c.1273G>A (p.Gly425Ser)

Gene: AXIN1 (axin 1; minus strand). Cytogenetic location: 16p13.3.
Variant type: single nucleotide variant.
Coding change: c.1273G>A on transcript NM_003502.4 (MANE Select); coding-DNA position 1273, G replaced by A.
Protein change: p.Gly425Ser; replaces glycine 425 with serine.
Molecular consequence: missense variant. On other transcripts: non-coding transcript variant (1).
Genome position (GRCh38, 1-based): chr16:298,233, C>T on the plus strand (G>A on the coding strand, the complement: AXIN1 is on the minus strand). VCF-style: chr16-298233-C-T. GRCh37 (hg19) VCF-style: chr16-348233-C-T.
Other names: c.1273G>A, p.Gly425Ser (NM_181050.3); short protein forms G425S.
Identifiers: ClinVar variation 3055366 (VCV003055366.2), dbSNP rs116350678, ClinGen allele CA7774217.

ClinVar aggregate classification (germline): Benign (0 of 4 stars; one submission).

Conditions:
AXIN1-related disorder. Also called: AXIN1-related condition.

Allele frequency attached by ClinVar (database versions not stated): ExAC 0.00753; ESP Exome Variant Server 0.01798; 1000 Genomes Project 0.01957; gnomAD 0.02113; 1000 Genomes Project 30x 0.02124; TOPMed 0.02394.
gnomAD v4.1: 6,268 of 1,539,674 alleles (0.41%); highest among the groups gnomAD compares: African/African-American, 7.6%; 203 homozygotes.

Submission:

PreventionGenetics, part of Exact Sciences
Classification: Benign for AXIN1-related condition. Last evaluated: 2019-11-14. Review status: no assertion criteria provided. Collection method: clinical testing. Allele origin: germline.
Comment: This variant is classified as benign based on ACMG/AMP sequence variant interpretation guidelines (Richards et al. 2015 PMID: 25741868, with internal and published modifications).